The following is an entry in ClinVar:

ClinVar aggregate classification (germline): Uncertain significance (1 of 4 stars; one submission).

gnomAD v4.1: 3 of 1,614,218 alleles (0.00019%); highest among the groups gnomAD compares: Non-Finnish European, 0.00025%; no homozygotes.

Submission:

GeneDx
Classification: Uncertain significance. Last evaluated: 2025-01-15. Review status: criteria provided, single submitter. Criteria: GeneDx Variant Classification Process June 2021. Collection method: clinical testing. Allele origin: germline. Affected: yes.
Comment: Not observed at significant frequency in large population cohorts (gnomAD); In silico analysis indicates that this missense variant does not alter protein structure/function; Has not been previously published as pathogenic or benign to our knowledge; This variant is associated with the following publications: (PMID: 16718611, 21520338, 31554319, 9590290)

NM_005422.4(TECTA):c.5498A>G (p.Asn1833Ser)

Genes: TBCEL-TECTA (TBCEL-TECTA readthrough; plus strand), TECTA (tectorin alpha; plus strand). Cytogenetic location: 11q23.3.
Variant type: single nucleotide variant.
Coding change: c.5498A>G on transcript NM_005422.4 (MANE Select); coding-DNA position 5498, A replaced by G.
Protein change: p.Asn1833Ser; replaces asparagine 1833 with serine.
Molecular consequence: missense variant.
Genome position (GRCh38, 1-based): chr11:121,166,692, A>G. VCF-style: chr11-121166692-A-G. GRCh37 (hg19) VCF-style: chr11-121037401-A-G.
Other names: c.6440A>G, p.Asn2147Ser (NM_001378761.1); short protein forms N1833S, N2147S.
Identifiers: ClinVar variation 4070822 (VCV004070822.1).